The following is an entry in ClinVar:

NM_005204.4(MAP3K8):c.494C>T (p.Ala165Val)

Gene: MAP3K8 (mitogen-activated protein kinase kinase kinase 8; plus strand). Cytogenetic location: 10p11.23.
Variant type: single nucleotide variant.
Coding change: c.494C>T on transcript NM_005204.4 (MANE Select); coding-DNA position 494, C replaced by T.
Protein change: p.Ala165Val; replaces alanine 165 with valine.
Molecular consequence: missense variant.
Genome position (GRCh38, 1-based): chr10:30,447,939, C>T. VCF-style: chr10-30447939-C-T. GRCh37 (hg19) VCF-style: chr10-30736868-C-T.
Other names: c.494C>T, p.Ala165Val (NM_001244134.1, NM_001320961.2); short protein forms A165V.
Identifiers: ClinVar variation 4806635 (VCV004806635.1).

ClinVar aggregate classification (germline): Uncertain significance (1 of 4 stars; one submission).

gnomAD v4.1: 8 of 1,607,556 alleles (0.0005%); highest among the groups gnomAD compares: African/African-American, 0.004%; no homozygotes.

Submission:

Labcorp Genetics (formerly Invitae), Labcorp
Classification: Uncertain significance. Last evaluated: 2025-05-23. Review status: criteria provided, single submitter. Criteria: Invitae Variant Classification Sherloc (09022015). Collection method: clinical testing. Allele origin: germline.
Comment: This sequence change replaces alanine, which is neutral and non-polar, with valine, which is neutral and non-polar, at codon 165 of the MAP3K8 protein (p.Ala165Val). This variant is present in population databases (rs765778036, gnomAD 0.007%). This variant has not been reported in the literature in individuals affected with MAP3K8-related conditions. An algorithm developed to predict the effect of missense changes on protein structure and function (PolyPhen-2) suggests that this variant is likely to be disruptive. Algorithms developed to predict the effect of sequence changes on RNA splicing suggest that this variant may create or strengthen a splice site. In summary, the available evidence is currently insufficient to determine the role of this variant in disease. Therefore, it has been classified as a Variant of Uncertain Significance.